The following is an entry in ClinVar:

ClinVar aggregate classification (germline): Benign. Review status: criteria provided, multiple submitters, no conflicts (2 of 4 stars). 4 submissions from 4 submitters: Benign (3). 1 of the submissions does not count toward it. Last evaluated 2021-09-05.

Conditions:
Ataxia with oculomotor apraxia type 3. Also called: Ataxia-oculomotor apraxia 3. Identifiers: Orphanet 64753, MedGen C3554690, MONDO:0014084, OMIM 615217.

Allele frequency attached by ClinVar (database versions not stated): ExAC 0.25195; TOPMed 0.28847; 1000 Genomes Project 0.20308; gnomAD exomes 0.24687; 1000 Genomes Project 30x 0.21049; ESP Exome Variant Server 0.30624.
gnomAD v4.1: 458,618 of 1,613,550 alleles (28%); highest among the groups gnomAD compares: Non-Finnish European, 31%; 68,711 homozygotes.

Submissions (7):

Genome-Nilou Lab
Classification: Benign for Ataxia with oculomotor apraxia type 3. Last evaluated: 2021-09-05. Review status: criteria provided, single submitter. Criteria: ACMG Guidelines, 2015. Collection method: clinical testing. Allele origin: germline. Affected: no.

Breakthrough Genomics
Classification: Benign. Review status: criteria provided, single submitter. Criteria: ACMG Guidelines, 2015. Collection method: not provided. Allele origin: germline. Inheritance: Autosomal recessive inheritance. Affected: yes.

PreventionGenetics, part of Exact Sciences
Classification: Benign. Review status: criteria provided, single submitter. Criteria: ACMG Guidelines, 2015. Collection method: clinical testing. Allele origin: germline.

Dr. Peter K. Rogan Lab, Western University
No classification provided (evidence only). Condition: Squamous cell carcinoma of the head and neck. Review status: no classification provided. Collection method: in vitro. Allele origin: not applicable. Functional consequence: retained intron. Not counted in ClinVar's aggregate classification.

Dr. Peter K. Rogan Lab, Western University
No classification provided (evidence only). Condition: Malignant lymphoma, large B-cell, diffuse. Review status: no classification provided. Collection method: in vitro. Allele origin: not applicable. Functional consequence: retained intron. Not counted in ClinVar's aggregate classification.

Dr. Peter K. Rogan Lab, Western University
No classification provided (evidence only). Condition: Malignant lymphoma, large B-cell, diffuse. Review status: no classification provided. Collection method: in vitro. Allele origin: not applicable. Functional consequence: retained intron. Not counted in ClinVar's aggregate classification.

Genetic Services Laboratory, University of Chicago
Classification: Likely benign for AllHighlyPenetrant. Review status: no assertion criteria provided. Collection method: clinical testing. Allele origin: germline. Inheritance: Autosomal recessive inheritance. Not counted in ClinVar's aggregate classification.
Comment: Likely benign based on allele frequency in 1000 Genomes Project or ESP global frequency and its presence in a patient with a rare or unrelated disease phenotype. NOT Sanger confirmed.

NM_001142633.3(PIK3R5):c.1101G>A (p.Ser367=)

Gene: PIK3R5 (phosphoinositide-3-kinase regulatory subunit 5; minus strand). Cytogenetic location: 17p13.1.
Variant type: single nucleotide variant.
Coding change: c.1101G>A on transcript NM_001142633.3 (MANE Select); coding-DNA position 1101, G replaced by A.
Protein change: p.Ser367=; no amino-acid change (serine 367 retained).
Molecular consequence: synonymous variant. On other transcripts: 5 prime UTR variant (8).
Genome position (GRCh38, 1-based): chr17:8,888,686, C>T on the plus strand (G>A on the coding strand, the complement: PIK3R5 is on the minus strand). VCF-style: chr17-8888686-C-T. GRCh37 (hg19) VCF-style: chr17-8792003-C-T.
Other names: NC_000017.10:g.8792003C>T; c.-58G>A (NM_001251851.2, NM_001251852.2, NM_001251853.2 and 5 more transcripts); c.1101G>A, p.Ser367= (NM_001388396.1, NM_014308.4).
Identifiers: ClinVar variation 130136 (VCV000130136.11), dbSNP rs9915880, ClinGen allele CA154931.
Genomic context (GRCh38, chr17:8,888,686, plus strand): 5'-CATGCCATCAGAGAGGCCTGAGACAAAGGAAGTCAGCAGATGGCGCGAGAGGGCCGGCCC[C>T]GAGGCCTGGGAGGATGCAAGGGACAAGGTGGAGTCATGGGACGCCAAAGAGCTGGTGGAG-3'
Protein context (NP_001136105.1, residues 357-377): STLSLASSQA[Ser367=]GPALSRHLLT